The following is an entry in ClinVar:

ClinVar aggregate classification (germline): Conflicting classifications of pathogenicity. Review status: criteria provided, conflicting classifications (1 of 4 stars). 2 submissions from 2 submitters: Uncertain significance (1); Likely benign (1). Last evaluated 2025-10-13.

Conditions:
Cardiovascular phenotype. Identifiers: MedGen CN230736.

Submissions (2):

Labcorp Genetics (formerly Invitae), Labcorp
Classification: Uncertain significance. Last evaluated: 2025-10-13. Review status: criteria provided, single submitter. Criteria: Invitae Variant Classification Sherloc (09022015). Collection method: clinical testing. Allele origin: germline.
Comment: This sequence change replaces serine, which is neutral and polar, with asparagine, which is neutral and polar, at codon 76 of the MFAP5 protein (p.Ser76Asn). This variant is not present in population databases (gnomAD no frequency). This variant has not been reported in the literature in individuals affected with MFAP5-related conditions. ClinVar contains an entry for this variant (Variation ID: 3872571). An algorithm developed to predict the effect of missense changes on protein structure and function outputs the following: PolyPhen-2: "Benign". The asparagine amino acid residue is found in multiple mammalian species, which suggests that this missense change does not adversely affect protein function. In summary, the available evidence is currently insufficient to determine the role of this variant in disease. Therefore, it has been classified as a Variant of Uncertain Significance.

Ambry Genetics
Classification: Likely benign for Cardiovascular phenotype. Last evaluated: 2024-12-13. Review status: criteria provided, single submitter. Criteria: Ambry Variant Classification Scheme 2023. Collection method: clinical testing. Allele origin: germline.

NM_003480.4(MFAP5):c.227G>A (p.Ser76Asn)

Gene: MFAP5 (microfibril associated protein 5; minus strand). Cytogenetic location: 12p13.31.
Variant type: single nucleotide variant.
Coding change: c.227G>A on transcript NM_003480.4 (MANE Select); coding-DNA position 227, G replaced by A.
Protein change: p.Ser76Asn; replaces serine 76 with asparagine.
Molecular consequence: missense variant. On other transcripts: non-coding transcript variant (1), intron variant (4).
Genome position (GRCh38, 1-based): chr12:8,651,682, C>T on the plus strand (G>A on the coding strand, the complement: MFAP5 is on the minus strand). VCF-style: chr12-8651682-C-T. GRCh37 (hg19) VCF-style: chr12-8804278-C-T.
Other names: c.182-1093G>A (NM_001297710.2); c.173-1093G>A (NM_001297711.2); c.217+2755G>A (NM_001297712.2); c.218-1093G>A (NM_001297709.2); short protein forms S76N.
Identifiers: ClinVar variation 3872571 (VCV003872571.2).